The following is an entry in ClinVar:

NM_000093.5(COL5A1):c.4132G>T (p.Gly1378Cys)

Gene: COL5A1 (collagen type V alpha 1 chain; plus strand). Cytogenetic location: 9q34.3.
Variant type: single nucleotide variant.
Coding change: c.4132G>T on transcript NM_000093.5 (MANE Select); coding-DNA position 4132, G replaced by T.
Protein change: p.Gly1378Cys; replaces glycine 1378 with cysteine.
Molecular consequence: missense variant.
Genome position (GRCh38, 1-based): chr9:134,817,035, G>T. VCF-style: chr9-134817035-G-T. GRCh37 (hg19) VCF-style: chr9-137708881-G-T.
Other names: c.4132G>T, p.Gly1378Cys (NM_001278074.1); short protein forms G1378C.
Identifiers: ClinVar variation 2020657 (VCV002020657.4), dbSNP rs2490841190, ClinGen allele CA375456639.

ClinVar aggregate classification (germline): Uncertain significance (1 of 4 stars; one submission).

Conditions:
Ehlers-Danlos syndrome, classic type, 1 (EDSCL1). Also called: EHLERS-DANLOS SYNDROME, GRAVIS TYPE; EHLERS-DANLOS SYNDROME, SEVERE CLASSIC TYPE; Ehlers-Danlos syndrome, type 1; EDS I; Ehlers-Danlos Syndrome, Classic Type, COL5A1-Related. Identifiers: MedGen C0268335, MONDO:0019567, OMIM 130000.

Submission:

Labcorp Genetics (formerly Invitae), Labcorp
Classification: Uncertain significance for Ehlers-Danlos syndrome, classic type, 1. Last evaluated: 2022-07-30. Review status: criteria provided, single submitter. Criteria: Invitae Variant Classification Sherloc (09022015). Collection method: clinical testing. Allele origin: germline.
Comment: This variant is not present in population databases (gnomAD no frequency). This sequence change replaces glycine, which is neutral and non-polar, with cysteine, which is neutral and slightly polar, at codon 1378 of the COL5A1 protein (p.Gly1378Cys). This variant has not been reported in the literature in individuals affected with COL5A1-related conditions. Advanced modeling of protein sequence and biophysical properties (such as structural, functional, and spatial information, amino acid conservation, physicochemical variation, residue mobility, and thermodynamic stability) performed at Invitae indicates that this missense variant is expected to disrupt COL5A1 protein function. This variant disrupts the triple helix domain of COL5A1. Glycine residues within the Gly-Xaa-Yaa repeats of the triple helix domain are required for the structure and stability of fibrillar collagens (PMID: 7695699, 8218237, 19344236), and variants at these glycine residues in COL5A1 are more frequently observed in individuals with disease than in the general population (PMID: 22696272, 23587214). However, the clinical significance of this observation remains uncertain since only a limited number of affected individuals have been described to date. In summary, the available evidence is currently insufficient to determine the role of this variant in disease. Therefore, it has been classified as a Variant of Uncertain Significance.

Literature cited by the submitters: PubMed 7695699; PubMed 8218237; PubMed 19344236; PubMed 22696272; PubMed 23587214.